The following is an entry in ClinVar:

ClinVar aggregate classification (germline): Uncertain significance (1 of 4 stars; one submission).

Submission:

Labcorp Genetics (formerly Invitae), Labcorp
Classification: Uncertain significance. Last evaluated: 2024-10-28. Review status: criteria provided, single submitter. Criteria: Invitae Variant Classification Sherloc (09022015). Collection method: clinical testing. Allele origin: germline.
Comment: This sequence change replaces leucine, which is neutral and non-polar, with valine, which is neutral and non-polar, at codon 488 of the TSEN54 protein (p.Leu488Val). This variant is not present in population databases (gnomAD no frequency). This variant has not been reported in the literature in individuals affected with TSEN54-related conditions. ClinVar contains an entry for this variant (Variation ID: 1493366). Invitae Evidence Modeling of protein sequence and biophysical properties (such as structural, functional, and spatial information, amino acid conservation, physicochemical variation, residue mobility, and thermodynamic stability) indicates that this missense variant is not expected to disrupt TSEN54 protein function with a negative predictive value of 95%. In summary, the available evidence is currently insufficient to determine the role of this variant in disease. Therefore, it has been classified as a Variant of Uncertain Significance.

NM_207346.3(TSEN54):c.1462C>G (p.Leu488Val)

Gene: TSEN54 (tRNA splicing endonuclease subunit 54; plus strand). Cytogenetic location: 17q25.1.
Variant type: single nucleotide variant.
Coding change: c.1462C>G on transcript NM_207346.3 (MANE Select); coding-DNA position 1462, C replaced by G.
Protein change: p.Leu488Val; replaces leucine 488 with valine.
Molecular consequence: missense variant.
Genome position (GRCh38, 1-based): chr17:75,524,293, C>G. VCF-style: chr17-75524293-C-G. GRCh37 (hg19) VCF-style: chr17-73520374-C-G.
Other names: short protein forms L488V.
Identifiers: ClinVar variation 1493366 (VCV001493366.6), dbSNP rs2147019398, ClinGen allele CA401031131.